The following is an entry in ClinVar:

ClinVar aggregate classification (germline): Conflicting classifications of pathogenicity. Review status: criteria provided, conflicting classifications (1 of 4 stars). 3 submissions from 3 submitters: Uncertain significance (2); Likely benign (1). Last evaluated 2026-08-17.

Conditions:
PLA2G6-associated neurodegeneration (PLAN). Also called: phospholipase A2-associated neurodegeneration. Identifiers: Orphanet 329303, MedGen CN204472, MONDO:0017998.
Infantile neuroaxonal dystrophy (NBIA2A). Also called: Infantile neuroaxonal dystrophy 1; SEITELBERGER DISEASE; NEURODEGENERATION WITH BRAIN IRON ACCUMULATION 2A. Identifiers: Orphanet 35069, MedGen C0270724, MONDO:0024457, OMIM 256600.

Allele frequency attached by ClinVar (database versions not stated): gnomAD exomes 0.00025 and 0.00035; 1000 Genomes Project 30x 0.00047; TOPMed 0.00024; ESP Exome Variant Server 0.00023; gnomAD 0.00025 and 0.00024; ExAC 0.00056; 1000 Genomes Project 0.00040.
gnomAD v4.1: 413 of 1,606,588 alleles (0.026%); highest among the groups gnomAD compares: East Asian, 0.047%; no homozygotes.

Submissions (3):

GeneDx
Classification: Uncertain significance. Last evaluated: 2026-08-17. Review status: criteria provided, single submitter. Criteria: GeneDx Variant Classification Process June 2021. Collection method: clinical testing. Allele origin: germline.
Comment: In silico analysis suggests that this missense variant does not alter protein structure/function; This variant is associated with the following publications: (PMID: 41413081, 35861376)

Labcorp Genetics (formerly Invitae), Labcorp
Classification: Likely benign for Infantile neuroaxonal dystrophy. Last evaluated: 2026-02-02. Review status: criteria provided, single submitter. Criteria: Invitae Variant Classification Sherloc (09022015). Collection method: clinical testing. Allele origin: germline.

Illumina Laboratory Services, Illumina
Classification: Uncertain significance for PLA2G6-associated neurodegeneration. Last evaluated: 2018-01-13. Review status: criteria provided, single submitter. Criteria: ICSL Variant Classification Criteria 13 December 2019. Collection method: clinical testing. Allele origin: germline.

NM_003560.4(PLA2G6):c.773C>T (p.Ser258Leu)

Gene: PLA2G6 (phospholipase A2 group VI; minus strand). Cytogenetic location: 22q13.1.
Variant type: single nucleotide variant.
Coding change: c.773C>T on transcript NM_003560.4 (MANE Select); coding-DNA position 773, C replaced by T.
Protein change: p.Ser258Leu; replaces serine 258 with leucine.
Molecular consequence: missense variant. On other transcripts: intron variant (1).
Genome position (GRCh38, 1-based): chr22:38,140,006, G>A on the plus strand (C>T on the coding strand, the complement: PLA2G6 is on the minus strand). VCF-style: chr22-38140006-G-A. GRCh37 (hg19) VCF-style: chr22-38536013-G-A.
Other names: c.773C>T, p.Ser258Leu (NM_001004426.3, NM_001199562.3, NM_001349864.2 and 2 more transcripts); c.239C>T, p.Ser80Leu (NM_001349867.2, NM_001349869.2); c.119+3099C>T (NM_001349868.2); short protein forms S258L, S80L.
Identifiers: ClinVar variation 341645 (VCV000341645.22), dbSNP rs147924368, ClinGen allele CA10231164.